The following is an entry in ClinVar:

NM_000156.6(GAMT):c.623G>C (p.Arg208Pro)

Gene: GAMT (guanidinoacetate N-methyltransferase; minus strand). Cytogenetic location: 19p13.3.
Variant type: single nucleotide variant.
Coding change: c.623G>C on transcript NM_000156.6 (MANE Select); coding-DNA position 623, G replaced by C.
Protein change: p.Arg208Pro; replaces arginine 208 with proline.
Molecular consequence: missense variant.
Genome position (GRCh38, 1-based): chr19:1,397,447, C>G on the plus strand (G>C on the coding strand, the complement: GAMT is on the minus strand). VCF-style: chr19-1397447-C-G. GRCh37 (hg19) VCF-style: chr19-1397446-C-G.
Other names: NM_000156.6:c.623G>C; short protein forms R208P.
Identifiers: ClinVar variation 3775038 (VCV003775038.1).

ClinVar aggregate classification (germline): Likely pathogenic (3 of 4 stars; one submission).

Conditions:
Deficiency of guanidinoacetate methyltransferase (CCDS2). Also called: GAMT DEFICIENCY; Guanidinoacetate Methyltransferase (GAMT) Deficiency; CEREBRAL CREATINE DEFICIENCY SYNDROME 2. Identifiers: Orphanet 382, MedGen C0574080, MONDO:0012999, OMIM 612736.

Submission:

ClinGen Cerebral Creatine Deficiency Syndromes Variant Curation Expert Panel, ClinGen
Classification: Likely pathogenic for Deficiency of guanidinoacetate methyltransferase. Last evaluated: 2025-03-18. Review status: reviewed by expert panel. Criteria: ClinGen CCDS ACMG Specifications GAMT V2.0.0. Collection method: curation. Allele origin: germline. Inheritance: Autosomal recessive inheritance.
Comment: The NM_000156.6:c.623G>C variant in GAMT is a missense variant predicted to cause substitution of arginine by proline at amino acid 208 (p.Arg208Pro). This variant is absent in gnomAD v4.1.0. (PM2_Supporting). It has been reported in homozygosity in one individual with clinical symptoms consistent with GAMT deficiency (severe intellectual impairment, intractable seizures, movement disorder), deficienct GAMT activity, and reduction of creatine on brain MRS, who showed clinical improvement on dietary treatment (PMID 24415674, 29506905) (PM3_Supporting, PP4_Strong). When expressed in GAMT-deficient fibroblasts, the variant resulted in ~4% wild type GAMT activity (PMID 24415674) (PS3_Supporting). The computational predictor REVEL gives a score of 0.751, which is in the range (0.644-0.773) that predicts impact to GAMT function at the supporting level (Pejaver et al, 2022, PMID: 36413997) (PP3). Two additional missense variants at this amino acid position have been reported; c.623G>A (p.Arg208His) (ClinVarID: 577478), and c.622C>T (p.Arg208Cys) (ClinVar ID: 544261). Both of these variants have been classified as variants of uncertain significance by the ClinGen CCDS VCEP. There is no ClinVar entry for this variant. In summary, this variant meets the criteria to be classified as likely pathogenic for GAMT deficiency. GAMT-specific ACMG/AMP criteria applied, as specified by the ClinGen CCDS VCEP (Specifications Version 2.0.0): PP4_Strong, PP3, PS3_Supporting, PM2_Supporting, PM3_Supporting. (Classification approved by the ClinGen Cerebral Creatine Deficiencies Variant Curation Expert Panel on March 18, 2025)

Literature cited by the submitters: PubMed 24415674.